The following is an entry in ClinVar:

NM_001378454.1(ALMS1):c.11821G>T (p.Gly3941Cys)

Gene: ALMS1 (ALMS1 centrosome and basal body associated protein; plus strand). Cytogenetic location: 2p13.1.
Variant type: single nucleotide variant.
Coding change: c.11821G>T on transcript NM_001378454.1 (MANE Select); coding-DNA position 11821, G replaced by T.
Protein change: p.Gly3941Cys; replaces glycine 3941 with cysteine.
Molecular consequence: missense variant.
Genome position (GRCh38, 1-based): chr2:73,600,830, G>T. VCF-style: chr2-73600830-G-T. GRCh37 (hg19) VCF-style: chr2-73827957-G-T.
Other names: c.11824G>T, p.Gly3942Cys (NM_015120.4); short protein forms G3941C, G3942C.
Identifiers: ClinVar variation 1438844 (VCV001438844.3), dbSNP rs61741524, ClinGen allele CA347264792.

ClinVar aggregate classification (germline): Uncertain significance (1 of 4 stars; one submission).

Conditions:
Alstrom syndrome (ALMS). Identifiers: Orphanet 64, MedGen C0268425, MONDO:0008763, OMIM 203800.

gnomAD v4.1: 1 of 1,614,184 alleles (0.000062%); highest among the groups gnomAD compares: Non-Finnish European, 0.000085%; no homozygotes.

Submission:

Labcorp Genetics (formerly Invitae), Labcorp
Classification: Uncertain significance for Alstrom syndrome. Last evaluated: 2022-03-10. Review status: criteria provided, single submitter. Criteria: Invitae Variant Classification Sherloc (09022015). Collection method: clinical testing. Allele origin: germline.
Comment: This sequence change replaces glycine, which is neutral and non-polar, with cysteine, which is neutral and slightly polar, at codon 3942 of the ALMS1 protein (p.Gly3942Cys). This variant is not present in population databases (gnomAD no frequency). This variant has not been reported in the literature in individuals affected with ALMS1-related conditions. Experimental studies and prediction algorithms are not available or were not evaluated, and the functional significance of this variant is currently unknown. In summary, the available evidence is currently insufficient to determine the role of this variant in disease. Therefore, it has been classified as a Variant of Uncertain Significance.